The following is an entry in ClinVar:

NM_004408.4(DNM1):c.695T>C (p.Ile232Thr)

Gene: DNM1 (dynamin 1; plus strand). Cytogenetic location: 9q34.11.
Variant type: single nucleotide variant.
Coding change: c.695T>C on transcript NM_004408.4 (MANE Select); coding-DNA position 695, T replaced by C.
Protein change: p.Ile232Thr; replaces isoleucine 232 with threonine.
Molecular consequence: missense variant.
Genome position (GRCh38, 1-based): chr9:128,220,187, T>C. VCF-style: chr9-128220187-T-C. GRCh37 (hg19) VCF-style: chr9-130982466-T-C.
Other names: c.695T>C, p.Ile232Thr (NM_001005336.3, NM_001288737.2, NM_001288738.2 and 1 more transcripts); short protein forms I232T.
Identifiers: ClinVar variation 649956 (VCV000649956.11), dbSNP rs766504829, ClinGen allele CA5257872.

ClinVar aggregate classification (germline): Uncertain significance. Review status: criteria provided, multiple submitters, no conflicts (2 of 4 stars). 2 submissions from 2 submitters: Uncertain significance (2). Last evaluated 2024-09-10.

Conditions:
Developmental and epileptic encephalopathy, 31A. Also called: Epileptic encephalopathy, early infantile, 31; Developmental and epileptic encephalopathy, 31. Identifiers: Orphanet 2382, MedGen C4225357, MONDO:0014598, OMIM 616346.

Allele frequency attached by ClinVar (database versions not stated): ExAC 0.00001; gnomAD 0.00001; gnomAD exomes 0.00001 and below 0.00001; TOPMed 0.00002.
gnomAD v4.1: 19 of 1,613,962 alleles (0.0012%); highest among the groups gnomAD compares: East Asian, 0.0067%; no homozygotes.

Submissions (2):

Labcorp Genetics (formerly Invitae), Labcorp
Classification: Uncertain significance for Developmental and epileptic encephalopathy, 31A. Last evaluated: 2024-09-10. Review status: criteria provided, single submitter. Criteria: Invitae Variant Classification Sherloc (09022015). Collection method: clinical testing. Allele origin: germline.
Comment: This sequence change replaces isoleucine, which is neutral and non-polar, with threonine, which is neutral and polar, at codon 232 of the DNM1 protein (p.Ile232Thr). This variant is present in population databases (rs766504829, gnomAD 0.0009%). This variant has not been reported in the literature in individuals affected with DNM1-related conditions. ClinVar contains an entry for this variant (Variation ID: 649956). Invitae Evidence Modeling of protein sequence and biophysical properties (such as structural, functional, and spatial information, amino acid conservation, physicochemical variation, residue mobility, and thermodynamic stability) indicates that this missense variant is expected to disrupt DNM1 protein function with a positive predictive value of 80%. In summary, the available evidence is currently insufficient to determine the role of this variant in disease. Therefore, it has been classified as a Variant of Uncertain Significance.

Blueprint Genetics
Classification: Uncertain significance. Last evaluated: 2024-04-19. Review status: criteria provided, single submitter. Criteria: ACMG Guidelines, 2015. Collection method: clinical testing. Allele origin: germline.